The following is an entry in ClinVar:

NM_001375524.1(TRRAP):c.3730G>A (p.Asp1244Asn)

Gene: TRRAP (transformation/transcription domain associated protein; plus strand). Cytogenetic location: 7q22.1.
Variant type: single nucleotide variant.
Coding change: c.3730G>A on transcript NM_001375524.1 (MANE Select); coding-DNA position 3730, G replaced by A.
Protein change: p.Asp1244Asn; replaces aspartic acid 1244 with asparagine.
Molecular consequence: missense variant.
Genome position (GRCh38, 1-based): chr7:98,931,543, G>A. VCF-style: chr7-98931543-G-A. GRCh37 (hg19) VCF-style: chr7-98529166-G-A.
Other names: c.3730G>A, p.Asp1244Asn (NM_001244580.2, NM_003496.4); short protein forms D1244N.
Identifiers: ClinVar variation 4751730 (VCV004751730.1).

ClinVar aggregate classification (germline): Uncertain significance (1 of 4 stars; one submission).

gnomAD v4.1: 2 of 1,614,166 alleles (0.00012%); highest among the groups gnomAD compares: Non-Finnish European, 0.00017%; no homozygotes.

Submission:

Labcorp Genetics (formerly Invitae), Labcorp
Classification: Uncertain significance. Last evaluated: 2025-05-04. Review status: criteria provided, single submitter. Criteria: Invitae Variant Classification Sherloc (09022015). Collection method: clinical testing. Allele origin: germline.
Comment: This sequence change replaces aspartic acid, which is acidic and polar, with asparagine, which is neutral and polar, at codon 1244 of the TRRAP protein (p.Asp1244Asn). This variant is not present in population databases (gnomAD no frequency). This variant has not been reported in the literature in individuals affected with TRRAP-related conditions. Invitae Evidence Modeling of protein sequence and biophysical properties (such as structural, functional, and spatial information, amino acid conservation, physicochemical variation, residue mobility, and thermodynamic stability) indicates that this missense variant is not expected to disrupt TRRAP protein function with a negative predictive value of 80%. In summary, the available evidence is currently insufficient to determine the role of this variant in disease. Therefore, it has been classified as a Variant of Uncertain Significance.